The following is an entry in ClinVar:

NM_002645.4(PIK3C2A):c.772G>C (p.Val258Leu)

Gene: PIK3C2A (phosphatidylinositol-4-phosphate 3-kinase catalytic subunit type 2 alpha; minus strand). Cytogenetic location: 11p15.1.
Variant type: single nucleotide variant.
Coding change: c.772G>C on transcript NM_002645.4 (MANE Select); coding-DNA position 772, G replaced by C.
Protein change: p.Val258Leu; replaces valine 258 with leucine.
Molecular consequence: missense variant. On other transcripts: intron variant (1).
Genome position (GRCh38, 1-based): chr11:17,168,970, C>G on the plus strand (G>C on the coding strand, the complement: PIK3C2A is on the minus strand). VCF-style: chr11-17168970-C-G. GRCh37 (hg19) VCF-style: chr11-17190517-C-G.
Other names: c.772G>C, p.Val258Leu (NM_001321378.2, NM_001386870.1); c.-75-13341G>C (NM_001321380.2); short protein forms V258L.
Identifiers: ClinVar variation 3418460 (VCV003418460.2).

ClinVar aggregate classification (germline): Uncertain significance. Review status: criteria provided, multiple submitters, no conflicts (2 of 4 stars). 2 submissions from 2 submitters: Uncertain significance (2). Last evaluated 2024-11-10.

gnomAD v4.1: 4 of 1,613,800 alleles (0.00025%); highest among the groups gnomAD compares: Admixed American, 0.0067%; no homozygotes.

Submissions (2):

Ambry Genetics
Classification: Uncertain significance. Last evaluated: 2024-11-10. Review status: criteria provided, single submitter. Criteria: Ambry Variant Classification Scheme 2023. Collection method: clinical testing. Allele origin: germline.

Labcorp Genetics (formerly Invitae), Labcorp
Classification: Uncertain significance. Last evaluated: 2024-04-29. Review status: criteria provided, single submitter. Criteria: Invitae Variant Classification Sherloc (09022015). Collection method: clinical testing. Allele origin: germline.
Comment: This sequence change replaces valine, which is neutral and non-polar, with leucine, which is neutral and non-polar, at codon 258 of the PIK3C2A protein (p.Val258Leu). This variant is present in population databases (no rsID available, gnomAD 0.009%). This variant has not been reported in the literature in individuals affected with PIK3C2A-related conditions. Algorithms developed to predict the effect of missense changes on protein structure and function output the following: SIFT: "Not Available"; PolyPhen-2: "Benign"; Align-GVGD: "Not Available". The leucine amino acid residue is found in multiple mammalian species, which suggests that this missense change does not adversely affect protein function. In summary, the available evidence is currently insufficient to determine the role of this variant in disease. Therefore, it has been classified as a Variant of Uncertain Significance.